The following is an entry in ClinVar:

NM_000218.3(KCNQ1):c.1047G>C (p.Ser349=)

Gene: KCNQ1 (potassium voltage-gated channel subfamily Q member 1; plus strand). Cytogenetic location: 11p15.5.
Variant type: single nucleotide variant.
Coding change: c.1047G>C on transcript NM_000218.3 (MANE Select); coding-DNA position 1047, G replaced by C.
Protein change: p.Ser349=; no amino-acid change (serine 349 retained).
Molecular consequence: synonymous variant. On other transcripts: intron variant (2).
Genome position (GRCh38, 1-based): chr11:2,585,226, G>C. VCF-style: chr11-2585226-G-C. GRCh37 (hg19) VCF-style: chr11-2606456-G-C.
Other names: c.777G>C, p.Ser259= (NM_001406837.1); c.666G>C, p.Ser222= (NM_181798.2); c.1032+1681G>C (NM_001406836.1); c.588+1681G>C (NM_001406838.1).
Identifiers: ClinVar variation 2830803 (VCV002830803.6), dbSNP rs199630316, ClinGen allele CA472038479.
Genomic context (GRCh38, chr11:2,585,226, plus strand): 5'-GGCAGTGGCCTGTGTGGACGGGAGCCTCCTGTCCATTCCTTCCCAGGGGATTCTTGGCTC[G>C]GGGTTTGCCCTGAAGGTGCAGCAGAAGCAGAGGCAGAAGCACTTCAACCGGCAGATCCCG-3'
Protein context (NP_000209.2, residues 339-359): FFALPAGILG[Ser349=]GFALKVQQKQ

ClinVar aggregate classification (germline): Likely benign. Review status: criteria provided, multiple submitters, no conflicts (2 of 4 stars). 4 submissions from 4 submitters: Likely benign (4). Last evaluated 2026-03-27.

Conditions:
Long QT syndrome (LQTS). Identifiers: MedGen C0023976, MeSH D008133, MONDO:0002442. Disease mechanism: loss of function. Inheritance: Various modes of inheritance.
Cardiovascular phenotype. Identifiers: MedGen CN230736.

gnomAD v4.1: 2 of 1,614,032 alleles (0.00012%); highest among the groups gnomAD compares: Non-Finnish European, 0.00017%; no homozygotes.

Submissions (4):

Molecular Diagnostic Laboratory for Inherited Cardiovascular Disease, Montreal Heart Institute
Classification: Likely benign. Last evaluated: 2026-03-27. Review status: criteria provided, single submitter. Criteria: ACMG Guidelines, 2015. Collection method: clinical testing. Allele origin: germline. Affected: no.
Comment: BP7

All of Us Research Program, National Institutes of Health
Classification: Likely benign for Long QT syndrome. Last evaluated: 2024-03-24. Review status: criteria provided, single submitter. Criteria: ACMG Guidelines, 2015. Collection method: clinical testing. Allele origin: germline. Inheritance: Autosomal dominant inheritance. Observed: 1 variant allele, 1 heterozygote.
Comment: This study involves interpretation of variants in research participants for the purpose of population health screening. Participant phenotype was not available at the time of variant classification. Additional details can be found in publication PMID: 35346344, PMCID: PMC8962531

Ambry Genetics
Classification: Likely benign for Cardiovascular phenotype. Last evaluated: 2024-02-25. Review status: criteria provided, single submitter. Criteria: Ambry Variant Classification Scheme 2023. Collection method: clinical testing. Allele origin: germline.

Labcorp Genetics (formerly Invitae), Labcorp
Classification: Likely benign for Long QT syndrome. Last evaluated: 2023-11-25. Review status: criteria provided, single submitter. Criteria: Invitae Variant Classification Sherloc (09022015). Collection method: clinical testing. Allele origin: germline.